The following is an entry in ClinVar:

ClinVar aggregate classification (germline): Pathogenic (1 of 4 stars; one submission).

Conditions:
Mowat-Wilson syndrome (MOWS). Also called: Classic Mowat-Wilson Syndrome. Identifiers: Orphanet 2152, MedGen C1856113, MONDO:0009341, OMIM 235730.

Submission:

Labcorp Genetics (formerly Invitae), Labcorp
Classification: Pathogenic for Mowat-Wilson syndrome. Last evaluated: 2021-02-04. Review status: criteria provided, single submitter. Criteria: Invitae Variant Classification Sherloc (09022015). Collection method: clinical testing. Allele origin: germline.
Comment: This sequence change creates a premature translational stop signal (p.Asn623Glnfs*8) in the ZEB2 gene. It is expected to result in an absent or disrupted protein product. Loss-of-function variants in ZEB2 are known to be pathogenic (PMID: 16053902). This variant is not present in population databases (ExAC no frequency). For these reasons, this variant has been classified as Pathogenic. This variant has not been reported in the literature in individuals with ZEB2-related conditions.

Literature cited by the submitters: PubMed 16053902.

NM_014795.4(ZEB2):c.1866dup (p.Asn623fs)

Gene: ZEB2 (zinc finger E-box binding homeobox 2; minus strand). Cytogenetic location: 2q22.3.
Variant type: Duplication.
Coding change: c.1866dup on transcript NM_014795.4 (MANE Select); coding-DNA position 1866, one base duplicated (C; older notation c.1866dupC).
Protein change: p.Asn623fs; shifts the reading frame from asparagine 623.
Molecular consequence: frameshift variant.
Genome position (GRCh38, 1-based): chr2:144,399,321, G duplicated on the plus strand (C on the coding strand, the reverse complement: ZEB2 is on the minus strand); the first of 4 consecutive G bases (chr2:144,399,321-144,399,324); duplicating any one gives the same sequence. VCF-style (leftmost placement, unchanged base first): chr2-144399320-T-TG. GRCh37 (hg19) VCF-style: chr2-145156887-T-TG.
Other names: c.1794dup, p.Asn599fs (NM_001171653.2); short protein forms N623fs, N599fs.
Identifiers: ClinVar variation 1350184 (VCV001350184.6), dbSNP rs2149877017, ClinGen allele CA2573133278.